The following is an entry in ClinVar:

ClinVar aggregate classification (germline): Likely pathogenic. Review status: criteria provided, multiple submitters, no conflicts (2 of 4 stars). 3 submissions from 3 submitters: Likely pathogenic (3). Last evaluated 2024-11-20.

Conditions:
Neurodevelopmental disorder with or without early-onset generalized epilepsy. Identifiers: MedGen C5436914, MONDO:0030930, OMIM 619157.

Submissions (3):

Illumina Laboratory Services, Illumina
Classification: Likely pathogenic for Neurodevelopmental disorder with or without early-onset generalized epilepsy. Last evaluated: 2024-11-20. Review status: criteria provided, single submitter. Criteria: ICSLVariantClassificationCriteria RUGD 01 April 2020. Collection method: clinical testing. Allele origin: unknown.
Comment: The NBEA c.3362dup p.(Asn1121LysfsTer2) variant causes a shift in the protein reading frame that is predicted to result in premature termination of the protein. Loss of normal protein function through either protein truncation or nonsense-mediated mRNA decay is expected. To our knowledge, this variant has not been reported in the peer-reviewed literature. However, a deletion at the same nucleotide and amino acid position has been reported in a de novo state in an individual with speech delay, seizure, and autism (PMID: 30269351). This variant is not observed at a significant frequency in version 2.1.1 or version 4.1.0 of the Genome Aggregation Database. Based on the available evidence, the c.3362dup p.(Asn1121LysfsTer2) variant is classified as likely pathogenic for NBEA-related complex neurodevelopmental disorder.

Center for Human Genetics and Genomic Medicine, Uniklinik Rwth Aachen
Classification: Likely pathogenic for Neurodevelopmental disorder with or without early-onset generalized epilepsy. Last evaluated: 2022-02-18. Review status: criteria provided, single submitter. Criteria: ACMG Guidelines, 2015. Collection method: clinical testing. Allele origin: unknown. Inheritance: Autosomal dominant inheritance. Affected: yes.
Comment: The detected change has not been reported in the relevant databases (dbSNP151, gnomAD v3.1.2, ClinVar) or in the literature. In the case of stop or nonsense variants in a gene that matches the phenotype, there is a high probability of pathogenetic relevance. The variant is currently to be regarded as a "likely pathogenic variant" (ACMG criteria).

Juno Genomics, Hangzhou Juno Genomics, Inc
Classification: Likely pathogenic for Neurodevelopmental disorder with or without early-onset generalized epilepsy. Review status: criteria provided, single submitter. Criteria: ACMG Guidelines, 2015. Collection method: clinical testing. Allele origin: germline. Affected: yes.
Comment: Null variant in a gene where loss of function (LOF) is a known mechanism of disease.;Absent from controls (or at extremely low frequency if recessive) in Genome Aggregation Database, Exome Sequencing Project, 1000 Genomes Project, or Exome Aggregation Consortium.

Literature cited by the submitters: PubMed 30269351 (cited by Illumina Laboratory Services, Illumina).

NM_001385012.1(NBEA):c.3362dup (p.Asn1121fs)

Gene: NBEA (neurobeachin; plus strand). Cytogenetic location: 13q13.3.
Variant type: Duplication.
Coding change: c.3362dup on transcript NM_001385012.1 (MANE Select); coding-DNA position 3362, one base duplicated (A; older notation c.3362dupA).
Protein change: p.Asn1121fs; shifts the reading frame from asparagine 1121.
Molecular consequence: frameshift variant.
Genome position (GRCh38, 1-based): chr13:35,159,533, A duplicated; the last of 8 consecutive A bases (chr13:35,159,526-35,159,533); duplicating any one gives the same sequence. VCF-style (leftmost placement, unchanged base first): chr13-35159525-T-TA. GRCh37 (hg19) VCF-style: chr13-35733662-T-TA.
Other names: c.3362dup, p.Asn1121fs (NM_001379245.1, NM_015678.5); short protein forms N1121fs.
Identifiers: ClinVar variation 1341947 (VCV001341947.5), dbSNP rs763376147, ClinGen allele CA609252817.